The following is an entry in ClinVar:

NM_006389.5(HYOU1):c.1060G>A (p.Asp354Asn)

Gene: HYOU1 (hypoxia up-regulated 1; minus strand). Cytogenetic location: 11q23.3.
Variant type: single nucleotide variant.
Coding change: c.1060G>A on transcript NM_006389.5 (MANE Select); coding-DNA position 1060, G replaced by A.
Protein change: p.Asp354Asn; replaces aspartic acid 354 with asparagine.
Molecular consequence: missense variant.
Genome position (GRCh38, 1-based): chr11:119,052,357, C>T on the plus strand (G>A on the coding strand, the complement: HYOU1 is on the minus strand). VCF-style: chr11-119052357-C-T. GRCh37 (hg19) VCF-style: chr11-118923069-C-T.
Other names: c.1060G>A, p.Asp354Asn (NM_001130991.3, NM_001411041.1); c.1060G>A (NM_006389.3); short protein forms D354N.
Identifiers: ClinVar variation 1971917 (VCV001971917.6), dbSNP rs1478082472, ClinGen allele CA382942493.

ClinVar aggregate classification (germline): Uncertain significance. Review status: criteria provided, multiple submitters, no conflicts (2 of 4 stars). 2 submissions from 2 submitters: Uncertain significance (2). Last evaluated 2025-09-10.

Allele frequency attached by ClinVar (database versions not stated): TOPMed 0.00001; gnomAD 0.00003.

Submissions (2):

Ambry Genetics
Classification: Uncertain significance. Last evaluated: 2025-09-10. Review status: criteria provided, single submitter. Criteria: Ambry Variant Classification Scheme 2023. Collection method: clinical testing. Allele origin: germline.

Labcorp Genetics (formerly Invitae), Labcorp
Classification: Uncertain significance. Last evaluated: 2023-10-13. Review status: criteria provided, single submitter. Criteria: Invitae Variant Classification Sherloc (09022015). Collection method: clinical testing. Allele origin: germline.
Comment: This sequence change replaces aspartic acid, which is acidic and polar, with asparagine, which is neutral and polar, at codon 354 of the HYOU1 protein (p.Asp354Asn). This variant is not present in population databases (gnomAD no frequency). This variant has not been reported in the literature in individuals affected with HYOU1-related conditions. ClinVar contains an entry for this variant (Variation ID: 1971917). An algorithm developed to predict the effect of missense changes on protein structure and function (PolyPhen-2) suggests that this variant is likely to be disruptive. In summary, the available evidence is currently insufficient to determine the role of this variant in disease. Therefore, it has been classified as a Variant of Uncertain Significance.